The following is an entry in ClinVar:

ClinVar aggregate classification (germline): Benign/Likely benign. Review status: criteria provided, multiple submitters, no conflicts (2 of 4 stars). 7 submissions from 7 submitters: Benign (2); Likely benign (4). 1 of the submissions does not count toward it. Last evaluated 2025-12-09.

Conditions:
GABRG2-related disorder. Also called: GABRG2-related condition.
Febrile seizures, familial, 8 (FEB8). Also called: CONVULSIONS, FAMILIAL FEBRILE, 8. Identifiers: Orphanet 36387, MedGen C1969810, MONDO:0011891, OMIM 607681.
EPILEPSY, CHILDHOOD ABSENCE, SUSCEPTIBILITY TO, 2 (ECA2). Identifiers: Orphanet 64280, MedGen C1843244, OMIM 607681.

Allele frequency attached by ClinVar (database versions not stated): ESP Exome Variant Server 0.00008; gnomAD 0.00015 and 0.00027; TOPMed 0.00020; gnomAD exomes 0.00030 and 0.00053; ExAC 0.00056; 1000 Genomes Project 30x 0.00094; 1000 Genomes Project 0.00100.
gnomAD v4.1: 474 of 1,613,720 alleles (0.029%); highest among the groups gnomAD compares: South Asian, 0.35%; 7 homozygotes.

Submissions (7):

Labcorp Genetics (formerly Invitae), Labcorp
Classification: Benign for Febrile seizures, familial, 8; EPILEPSY, CHILDHOOD ABSENCE, SUSCEPTIBILITY TO, 2. Last evaluated: 2025-12-09. Review status: criteria provided, single submitter. Criteria: Invitae Variant Classification Sherloc (09022015). Collection method: clinical testing. Allele origin: germline.

CeGaT Center for Human Genetics Tuebingen
Classification: Likely benign. Last evaluated: 2024-12-01. Review status: criteria provided, single submitter. Criteria: CeGaT Center For Human Genetics Tuebingen Variant Classification Criteria Version 2. Collection method: clinical testing. Allele origin: germline. Affected: yes. Observed: 3 variant alleles.
Comment: GABRG2: BP4, BP7

Blueprint Genetics
Classification: Likely benign. Last evaluated: 2024-10-02. Review status: criteria provided, single submitter. Criteria: ACMG Guidelines, 2015. Collection method: clinical testing. Allele origin: germline.

Eurofins Ntd Llc (ga)
Classification: Likely benign. Last evaluated: 2018-05-29. Review status: criteria provided, single submitter. Criteria: EGL ClinVar v180209 classification definitions. Collection method: clinical testing. Allele origin: germline. Observed: 1 variant allele, 1 heterozygote.

Illumina Laboratory Services, Illumina
Classification: Likely benign for Febrile seizures, familial, 8. Last evaluated: 2018-01-13. Review status: criteria provided, single submitter. Criteria: ICSL Variant Classification Criteria 13 December 2019. Collection method: clinical testing. Allele origin: germline.
Comment: This variant was observed in the ICSL laboratory as part of a predisposition screen in an ostensibly healthy population. It had not been previously curated by ICSL or reported in the Human Gene Mutation Database (HGMD: prior to June 1st, 2018), and was therefore a candidate for classification through an automated scoring system. Utilizing variant allele frequency, disease prevalence and penetrance estimates, and inheritance mode, an automated score was calculated to assess if this variant is too frequent to cause the disease. Based on the score and internal cut-off values, a variant classified as likely benign is not then subjected to further curation. The score for this variant resulted in a classification of likely benign for this disease.

GeneDx
Classification: Benign. Last evaluated: 2014-02-06. Review status: criteria provided, single submitter. Criteria: GeneDx Variant Classification (06012015). Collection method: clinical testing. Allele origin: germline. Affected: yes.
Comment: This variant is considered likely benign or benign based on one or more of the following criteria: it is a conservative change, it occurs at a poorly conserved position in the protein, it is predicted to be benign by multiple in silico algorithms, and/or has population frequency not consistent with disease.

PreventionGenetics, part of Exact Sciences
Classification: Likely benign for GABRG2-related condition. Last evaluated: 2019-07-03. Review status: no assertion criteria provided. Collection method: clinical testing. Allele origin: germline. Not counted in ClinVar's aggregate classification.
Comment: This variant is classified as likely benign based on ACMG/AMP sequence variant interpretation guidelines (Richards et al. 2015 PMID: 25741868, with internal and published modifications).

NM_198904.4(GABRG2):c.768C>T (p.Ser256=)

Gene: GABRG2 (gamma-aminobutyric acid type A receptor subunit gamma2; plus strand). Cytogenetic location: 5q34.
Variant type: single nucleotide variant.
Coding change: c.768C>T on transcript NM_198904.4 (MANE Select); coding-DNA position 768, C replaced by T.
Protein change: p.Ser256=; no amino-acid change (serine 256 retained).
Molecular consequence: synonymous variant.
Genome position (GRCh38, 1-based): chr5:162,104,025, C>T. VCF-style: chr5-162104025-C-T. GRCh37 (hg19) VCF-style: chr5-161531031-C-T.
Other names: p.S256S:TCC>TCT; c.759C>T, p.Ser253= (NM_001375339.1); c.768C>T, p.Ser256= (NM_001375340.1, NM_001375341.1, NM_001375342.1 and 2 more transcripts); c.888C>T, p.Ser296= (NM_001375343.1, NM_198903.2); c.702C>T, p.Ser234= (NM_001375345.1, NM_001375346.1); c.681C>T, p.Ser227= (NM_001375347.1); c.348C>T, p.Ser116= (NM_001375348.1, NM_001375350.1); c.483C>T, p.Ser161= (NM_001375349.1).
Identifiers: ClinVar variation 137427 (VCV000137427.52), dbSNP rs201672465, ClinGen allele CA291001.
Genomic context (GRCh38, chr5:162,104,025, plus strand): 5'-GCTTTATCAATTCTCATTTGTTGGTCTAAGAAATACCACCGAAGTAGTGAAGACAACTTC[C>T]GGTAAGATGCACTGGCAAAGAATTTCAAGTGACCCTTCCAGAGTTGAAATTTTGGTATAT-3'
Protein context (NP_944494.1, residues 246-266): RNTTEVVKTT[Ser256=]GDYVVMSVYF